The following is an entry in ClinVar:

ClinVar aggregate classification (germline): Uncertain significance (1 of 4 stars; one submission).

Conditions:
Paget disease of bone 2, early-onset (PDB2). Also called: Paget disease of bone 2. Identifiers: MedGen C4085251, MONDO:0011183, OMIM 602080.
Frontotemporal dementia and/or amyotrophic lateral sclerosis 1 (FTDALS1). Also called: C9orf72 Frontotemporal Dementia and/or Amyotrophic Lateral Sclerosis; Frontotemporal dementia with motor neuron disease 1. Identifiers: Orphanet 275872, MedGen C5779877, MONDO:0007105, OMIM 105550.

Allele frequency attached by ClinVar (database versions not stated): gnomAD exomes below 0.00001; gnomAD 0.00001; TOPMed 0.00002.
gnomAD v4.1: 2 of 1,614,014 alleles (0.00012%); highest among the groups gnomAD compares: African/African-American, 0.0027%; no homozygotes.

Submission:

Labcorp Genetics (formerly Invitae), Labcorp
Classification: Uncertain significance for Paget disease of bone 2, early-onset; Frontotemporal dementia and/or amyotrophic lateral sclerosis 1. Last evaluated: 2022-11-02. Review status: criteria provided, single submitter. Criteria: Invitae Variant Classification Sherloc (09022015). Collection method: clinical testing. Allele origin: germline.
Comment: This sequence change replaces phenylalanine, which is neutral and non-polar, with cysteine, which is neutral and slightly polar, at codon 236 of the SQSTM1 protein (p.Phe236Cys). This variant is not present in population databases (gnomAD no frequency). This variant has not been reported in the literature in individuals affected with SQSTM1-related conditions. Advanced modeling of protein sequence and biophysical properties (such as structural, functional, and spatial information, amino acid conservation, physicochemical variation, residue mobility, and thermodynamic stability) performed at Invitae indicates that this missense variant is expected to disrupt SQSTM1 protein function. In summary, the available evidence is currently insufficient to determine the role of this variant in disease. Therefore, it has been classified as a Variant of Uncertain Significance.

NM_003900.5(SQSTM1):c.707T>G (p.Phe236Cys)

Gene: SQSTM1 (sequestosome 1; plus strand). Cytogenetic location: 5q35.3.
Variant type: single nucleotide variant.
Coding change: c.707T>G on transcript NM_003900.5 (MANE Select); coding-DNA position 707, T replaced by G.
Protein change: p.Phe236Cys; replaces phenylalanine 236 with cysteine.
Molecular consequence: missense variant.
Genome position (GRCh38, 1-based): chr5:179,825,179, T>G. VCF-style: chr5-179825179-T-G. GRCh37 (hg19) VCF-style: chr5-179252179-T-G.
Other names: c.455T>G, p.Phe152Cys (NM_001142298.2, NM_001142299.2); short protein forms F236C, F152C.
Identifiers: ClinVar variation 2028823 (VCV002028823.4), dbSNP rs940620294, ClinGen allele CA133100311.
Genomic context (GRCh38, chr5:179,825,179, plus strand): 5'-TTTATCTTATCTTTGTAAAAATCAAAGCTTCTGGTCCATCGGAGGATCCGAGTGTGAATT[T>G]CCTGAAGAACGTTGGGGAGAGTGTGGCAGCTGCCCTTAGCCCTCTGGGTGAGTGCACCTC-3'
Protein context (NP_003891.1, residues 226-246): SGPSEDPSVN[Phe236Cys]LKNVGESVAA